The following is an entry in ClinVar:

ClinVar aggregate classification (germline): Uncertain significance. Review status: criteria provided, multiple submitters, no conflicts (2 of 4 stars). 4 submissions from 4 submitters: Uncertain significance (4). Last evaluated 2025-10-20.

Conditions:
Intellectual disability, autosomal recessive 53 (NEDHSCA). Also called: GLYCOSYLPHOSPHATIDYLINOSITOL BIOSYNTHESIS DEFECT 13; Mental retardation, autosomal recessive 53; NEURODEVELOPMENTAL DISORDER WITH OR WITHOUT HYPOTONIA, SEIZURES, AND CEREBELLAR ATROPHY. Identifiers: Orphanet 488635, MedGen C4310794, MONDO:0014832, OMIM 616917.

Allele frequency attached by ClinVar (database versions not stated): TOPMed below 0.00001; gnomAD exomes 0.00001.
gnomAD v4.1: 9 of 1,613,694 alleles (0.00056%); highest among the groups gnomAD compares: South Asian, 0.0066%; no homozygotes.

Submissions (4):

Labcorp Genetics (formerly Invitae), Labcorp
Classification: Uncertain significance for Intellectual disability, autosomal recessive 53. Last evaluated: 2025-10-20. Review status: criteria provided, single submitter. Criteria: Invitae Variant Classification Sherloc (09022015). Collection method: clinical testing. Allele origin: germline.
Comment: This sequence change replaces lysine, which is basic and polar, with asparagine, which is neutral and polar, at codon 833 of the PIGG protein (p.Lys833Asn). This variant is present in population databases (no rsID available, gnomAD 0.006%). This variant has not been reported in the literature in individuals affected with PIGG-related conditions. ClinVar contains an entry for this variant (Variation ID: 542883). Invitae Evidence Modeling of protein sequence and biophysical properties (such as structural, functional, and spatial information, amino acid conservation, physicochemical variation, residue mobility, and thermodynamic stability) indicates that this missense variant is not expected to disrupt PIGG protein function with a negative predictive value of 80%. In summary, the available evidence is currently insufficient to determine the role of this variant in disease. Therefore, it has been classified as a Variant of Uncertain Significance.

GeneDx
Classification: Uncertain significance. Last evaluated: 2025-06-01. Review status: criteria provided, single submitter. Criteria: GeneDx Variant Classification Process June 2021. Collection method: clinical testing. Allele origin: germline. Affected: yes.
Comment: Not observed at significant frequency in large population cohorts (gnomAD); In silico analysis supports that this missense variant has a deleterious effect on protein structure/function; Has not been previously published as pathogenic or benign to our knowledge

Blueprint Genetics
Classification: Uncertain significance. Last evaluated: 2024-10-23. Review status: criteria provided, single submitter. Criteria: ACMG Guidelines, 2015. Collection method: clinical testing. Allele origin: germline.

Victorian Clinical Genetics Services, Murdoch Childrens Research Institute
Classification: Uncertain significance for Intellectual disability, autosomal recessive 53. Last evaluated: 2021-05-06. Review status: criteria provided, single submitter. Criteria: ACMG Guidelines, 2015. Collection method: clinical testing. Allele origin: germline. Inheritance: Autosomal recessive inheritance. Affected: yes.
Comment: Based on the classification scheme VCGS_Germline_v1.3.4, this variant is classified as VUS-3C. Following criteria are met: 0102 - Loss of function is a known mechanism of disease in this gene and is associated with intellectual disability 53 (MIM#616917). (I) 0106 - This gene is associated with autosomal recessive disease. (I) 0200 - Variant is predicted to result in a missense amino acid change from lysine to asparagine. (I) 0251 - This variant is heterozygous. (I) 0304 - Variant is present in gnomAD (v2) <0.01 for a recessive condition (3 heterozygotes, 0 homozygotes). (SP) 0503 - Missense variant consistently predicted to be tolerated by multiple in silico tools or not conserved in placental mammals with a minor amino acid change. (SB) 0600 - Variant is located in the annotated GPI ethanolamine phosphate transferase membrane region (Decipher). (I) 0705 - No comparable missense variants have previous evidence for pathogenicity. (I) 0809 - Previous evidence of pathogenicity for this variant is inconclusive. This variant has been reported as VUS in one individual (ClinVar). (I) 0905 - No published segregation evidence has been identified for this variant. (I) 1007 - No published functional evidence has been identified for this variant. (I) 1208 - Inheritance information for this variant is not currently available in this individual. (I) Legend: (SP) - Supporting pathogenic, (I) - Information, (SB) - Supporting benign

NM_001127178.3(PIGG):c.2499G>C (p.Lys833Asn)

Gene: PIGG (phosphatidylinositol glycan anchor biosynthesis class G (EMM blood group); plus strand). Cytogenetic location: 4p16.3.
Variant type: single nucleotide variant.
Coding change: c.2499G>C on transcript NM_001127178.3 (MANE Select); coding-DNA position 2499, G replaced by C.
Protein change: p.Lys833Asn; replaces lysine 833 with asparagine.
Molecular consequence: missense variant. On other transcripts: non-coding transcript variant (6).
Genome position (GRCh38, 1-based): chr4:530,673, G>C. VCF-style: chr4-530673-G-C. GRCh37 (hg19) VCF-style: chr4-524462-G-C.
Other names: c.2232G>C, p.Lys744Asn (NM_001289051.2, NM_001345986.2); c.2100G>C, p.Lys700Asn (NM_001289052.2); c.2208G>C, p.Lys736Asn (NM_001345987.2); c.1470G>C, p.Lys490Asn (NM_001345988.2); c.966G>C, p.Lys322Asn (NM_001345990.2, NM_001345991.2); c.1401G>C, p.Lys467Asn (NM_001345994.2); c.2475G>C, p.Lys825Asn (NM_017733.5); short protein forms K833N, K467N, K490N, K736N, K825N, K322N, K700N, K744N.
Identifiers: ClinVar variation 542883 (VCV000542883.13), dbSNP rs1056486559, ClinGen allele CA91071788.
Genomic context (GRCh38, chr4:530,673, plus strand): 5'-TCTTCCGGTCTTAGCATTTAGCCTCTTGATTCAGACTCTAATGACTAAATTCATCTGGAA[G>C]CCCCTGAGACACGATGCAGCTGAGATTACTGTGATGCATTATTGGTTTGGTCAAGCATTC-3'
Protein context (NP_001120650.1, residues 823-843): IQTLMTKFIW[Lys833Asn]PLRHDAAEIT